The following is an entry in ClinVar:

ClinVar aggregate classification (germline): Uncertain significance. Review status: criteria provided, multiple submitters, no conflicts (2 of 4 stars). 3 submissions from 3 submitters: Uncertain significance (3). Last evaluated 2025-11-03.

Allele frequency attached by ClinVar (database versions not stated): ExAC 0.00003; gnomAD 0.00003; TOPMed 0.00004; gnomAD exomes 0.00002.
gnomAD v4.1: 47 of 1,608,716 alleles (0.0029%); highest among the groups gnomAD compares: Non-Finnish European, 0.0038%; no homozygotes.

Submissions (3):

Labcorp Genetics (formerly Invitae), Labcorp
Classification: Uncertain significance. Last evaluated: 2025-11-03. Review status: criteria provided, single submitter. Criteria: Invitae Variant Classification Sherloc (09022015). Collection method: clinical testing. Allele origin: germline.
Comment: This sequence change replaces tyrosine, which is neutral and polar, with cysteine, which is neutral and slightly polar, at codon 1827 of the CACNA1D protein (p.Tyr1827Cys). This variant is present in population databases (rs763788750, gnomAD 0.004%). This variant has not been reported in the literature in individuals affected with CACNA1D-related conditions. ClinVar contains an entry for this variant (Variation ID: 1432313). An algorithm developed to predict the effect of missense changes on protein structure and function (PolyPhen-2) suggests that this variant is likely to be disruptive. In summary, the available evidence is currently insufficient to determine the role of this variant in disease. Therefore, it has been classified as a Variant of Uncertain Significance.

GeneDx
Classification: Uncertain significance. Last evaluated: 2025-02-06. Review status: criteria provided, single submitter. Criteria: GeneDx Variant Classification Process June 2021. Collection method: clinical testing. Allele origin: germline.
Comment: In silico analysis indicates that this missense variant does not alter protein structure/function; Has not been previously published as pathogenic or benign to our knowledge

Mayo Clinic Laboratories, Mayo Clinic
Classification: Uncertain significance. Last evaluated: 2024-03-21. Review status: criteria provided, single submitter. Criteria: ACMG Guidelines, 2015. Collection method: clinical testing. Allele origin: germline. Observed: 1 variant allele.
Comment: PP2

Literature cited by the submitters: PubMed 32508047 (cited by Mayo Clinic Laboratories, Mayo Clinic).

NM_001128840.3(CACNA1D):c.5420A>G (p.Tyr1807Cys)

Gene: CACNA1D (calcium voltage-gated channel subunit alpha1 D; plus strand). Cytogenetic location: 3p21.1.
Variant type: single nucleotide variant.
Coding change: c.5420A>G on transcript NM_001128840.3 (MANE Select); coding-DNA position 5420, A replaced by G.
Protein change: p.Tyr1807Cys; replaces tyrosine 1807 with cysteine.
Molecular consequence: missense variant. On other transcripts: intron variant (1).
Genome position (GRCh38, 1-based): chr3:53,802,158, A>G. VCF-style: chr3-53802158-A-G. GRCh37 (hg19) VCF-style: chr3-53836185-A-G.
Other names: p.Tyr1827Cys; c.5480A>G, p.Tyr1827Cys (NM_000720.4); c.5363+733A>G (NM_001128839.3); c.5480A>G (NM_000720.2); short protein forms Y1827C, Y1807C.
Identifiers: ClinVar variation 1432313 (VCV001432313.9), dbSNP rs763788750, ClinGen allele CA2455133.
Genomic context (GRCh38, chr3:53,802,158, plus strand): 5'-TTAACTTTTATCTTCTCCCTCCTTCCCATGTTATGCCTTTCCTGGATAGAACCCGCTATT[A>G]TGAAACTTACATTAGGTATGTGCTCATTACCTGTTTTTGTGTTAAATACTGTGATGGTAT-3'
Protein context (NP_001122312.1, residues 1797-1817): RRSSVKRTRY[Tyr1807Cys]ETYIRSDSGD